The following is an entry in ClinVar:

NM_000222.3(KIT):c.256A>G (p.Lys86Glu)

Gene: KIT (KIT proto-oncogene, receptor tyrosine kinase; plus strand). Cytogenetic location: 4q12.
Variant type: single nucleotide variant.
Coding change: c.256A>G on transcript NM_000222.3 (MANE Select); coding-DNA position 256, A replaced by G.
Protein change: p.Lys86Glu; replaces lysine 86 with glutamic acid.
Molecular consequence: missense variant.
Genome position (GRCh38, 1-based): chr4:54,695,700, A>G. VCF-style: chr4-54695700-A-G. GRCh37 (hg19) VCF-style: chr4-55561866-A-G.
Other names: c.256A>G, p.Lys86Glu (NM_001093772.2, NM_001385284.1, NM_001385285.1 and 4 more transcripts); c.256A>G (NM_000222.2); short protein forms K86E.
Identifiers: ClinVar variation 1016038 (VCV001016038.11), dbSNP rs1720017544, ClinGen allele CA356897180.
Genomic context (GRCh38, chr4:54,695,700, plus strand): 5'-TGGACTTTTGAGATCCTGGATGAAACGAATGAGAATAAGCAGAATGAATGGATCACGGAA[A>G]AGGCAGAAGCCACCAACACCGGCAAATACACGTGCACCAACAAACACGGCTTAAGCAATT-3'
Protein context (NP_000213.1, residues 76-96): ENKQNEWITE[Lys86Glu]AEATNTGKYT

ClinVar aggregate classification (germline): Uncertain significance. Review status: criteria provided, multiple submitters, no conflicts (2 of 4 stars). 3 submissions from 3 submitters: Uncertain significance (3). Last evaluated 2025-12-17.

Conditions:
Hereditary cancer-predisposing syndrome. Also called: Neoplastic Syndromes, Hereditary; Hereditary Cancer Syndrome; Hereditary neoplastic syndrome; Tumor predisposition. Identifiers: Orphanet 140162, MedGen C0027672, MeSH D009386, MONDO:0015356.
Gastrointestinal stromal tumor. Also called: Gastrointestinal stromal tumor, somatic; Gastrointestinal stroma tumor. Identifiers: Orphanet 44890, MedGen C0238198, MeSH D046152, MONDO:0011719, OMIM 606764, HP:0100723.

Allele frequency attached by ClinVar (database versions not stated): TOPMed below 0.00001.

Submissions (3):

Labcorp Genetics (formerly Invitae), Labcorp
Classification: Uncertain significance for Gastrointestinal stromal tumor. Last evaluated: 2025-12-17. Review status: criteria provided, single submitter. Criteria: Invitae Variant Classification Sherloc (09022015). Collection method: clinical testing. Allele origin: germline.
Comment: This sequence change replaces lysine, which is basic and polar, with glutamic acid, which is acidic and polar, at codon 86 of the KIT protein (p.Lys86Glu). This variant is not present in population databases (gnomAD no frequency). This variant has not been reported in the literature in individuals affected with KIT-related conditions. ClinVar contains an entry for this variant (Variation ID: 1016038). An algorithm developed to predict the effect of missense changes on protein structure and function outputs the following: PolyPhen-2: "Benign". The glutamic acid amino acid residue is found in multiple mammalian species, which suggests that this missense change does not adversely affect protein function. In summary, the available evidence is currently insufficient to determine the role of this variant in disease. Therefore, it has been classified as a Variant of Uncertain Significance.

Ambry Genetics
Classification: Uncertain significance for Hereditary cancer-predisposing syndrome. Last evaluated: 2025-02-15. Review status: criteria provided, single submitter. Criteria: Ambry Variant Classification Scheme 2023. Collection method: clinical testing. Allele origin: germline.
Comment: The p.K86E variant (also known as c.256A>G), located in coding exon 2 of the KIT gene, results from an A to G substitution at nucleotide position 256. The lysine at codon 86 is replaced by glutamic acid, an amino acid with similar properties. This amino acid position is conserved. In addition, this alteration is predicted to be tolerated by in silico analysis. Based on the available evidence, the clinical significance of this variant remains unclear.

Baylor Genetics
Classification: Uncertain significance for Gastrointestinal stromal tumor. Last evaluated: 2024-02-23. Review status: criteria provided, single submitter. Criteria: ACMG Guidelines, 2015. Collection method: clinical testing. Allele origin: unknown.